The following is an entry in ClinVar:

ClinVar aggregate classification (germline): Uncertain significance. Review status: criteria provided, multiple submitters, no conflicts (2 of 4 stars). 2 submissions from 2 submitters: Uncertain significance (2). Last evaluated 2026-03-14.

Conditions:
Inborn genetic diseases. Identifiers: MedGen C0950123, MeSH D030342.
WDPCP-related disorder. Also called: WDPCP-related condition.

Allele frequency attached by ClinVar (database versions not stated): gnomAD 0.00004; TOPMed 0.00002.
gnomAD v4.1: 83 of 1,613,862 alleles (0.0051%); highest among the groups gnomAD compares: Non-Finnish European, 0.0069%; no homozygotes.

Submissions (2):

PreventionGenetics, part of Exact Sciences
Classification: Uncertain significance for WDPCP-related condition. Last evaluated: 2026-03-14. Review status: criteria provided, single submitter. Criteria: ACMG Guidelines, 2015. Collection method: clinical testing. Allele origin: germline.
Comment: The WDPCP c.913T>G variant is predicted to result in the amino acid substitution p.Ser305Ala. To our knowledge, this variant has not been reported in the literature. This variant is reported in 0.0031% of alleles in individuals of European (Non-Finnish) descent in gnomAD. At this time, the clinical significance of this variant is uncertain due to the absence of conclusive functional and genetic evidence.

Ambry Genetics
Classification: Uncertain significance for Inborn genetic diseases. Last evaluated: 2023-10-20. Review status: criteria provided, single submitter. Criteria: Ambry Variant Classification Scheme 2023. Collection method: clinical testing. Allele origin: germline.

NM_015910.7(WDPCP):c.913T>G (p.Ser305Ala)

Gene: WDPCP (WD repeat containing planar cell polarity effector; minus strand). Cytogenetic location: 2p15.
Variant type: single nucleotide variant.
Coding change: c.913T>G on transcript NM_015910.7 (MANE Select); coding-DNA position 913, T replaced by G.
Protein change: p.Ser305Ala; replaces serine 305 with alanine.
Molecular consequence: missense variant. On other transcripts: non-coding transcript variant (3).
Genome position (GRCh38, 1-based): chr2:63,404,570, A>C on the plus strand (T>G on the coding strand, the complement: WDPCP is on the minus strand). VCF-style: chr2-63404570-A-C. GRCh37 (hg19) VCF-style: chr2-63631705-A-C.
Other names: c.436T>G, p.Ser146Ala (NM_001042692.3); c.841T>G, p.Ser281Ala (NM_001354044.2); c.913T>G, p.Ser305Ala (NM_001354045.2); short protein forms S281A, S305A, S146A.
Identifiers: ClinVar variation 3189823 (VCV003189823.2), dbSNP rs1015241062, ClinGen allele CA49233688.
Genomic context (GRCh38, chr2:63,404,570, plus strand): 5'-TATTCCGAATGCATTCATAGATGCAGCTGTCAGCCATGGGCTCTTTGTCTACACTTACGG[A>C]GTGCTCCACTGTGAACACCTGATAAGGCTGTTTGGTGCCAAAGCGAACATCCAGTGGGTC-3'
Protein context (NP_056994.3, residues 295-315): QPYQVFTVEH[Ser305Ala]VSVDKEPMAD